The following is an entry in ClinVar:

NM_004415.4(DSP):c.7116C>T (p.Ile2372=)

Gene: DSP (desmoplakin; plus strand). Cytogenetic location: 6p24.3.
Variant type: single nucleotide variant.
Coding change: c.7116C>T on transcript NM_004415.4 (MANE Select); coding-DNA position 7116, C replaced by T.
Protein change: p.Ile2372=; no amino-acid change (isoleucine 2372 retained).
Molecular consequence: synonymous variant.
Genome position (GRCh38, 1-based): chr6:7,584,378, C>T. VCF-style: chr6-7584378-C-T. GRCh37 (hg19) VCF-style: chr6-7584611-C-T.
Other names: c.5319C>T, p.Ile1773= (NM_001008844.3); c.5787C>T, p.Ile1929= (NM_001319034.2); c.7116C>T (NM_004415.3).
Identifiers: ClinVar variation 923373 (VCV000923373.47), dbSNP rs185213858, ClinGen allele CA049118.
Genomic context (GRCh38, chr6:7,584,378, plus strand): 5'-AGCCATGAATAAGGAACTCATCGAAAAGGGCCACGGTATTCGCTTATTAGAAGCACAGAT[C>T]GCAACCGGGGGGATCATTGACCCAAAGGAGAGCCATCGTTTACCAGTTGACATAGCATAT-3'
Protein context (NP_004406.2, residues 2362-2382): GHGIRLLEAQ[Ile2372=]ATGGIIDPKE

ClinVar aggregate classification (germline): Likely benign. Review status: criteria provided, multiple submitters, no conflicts (2 of 4 stars). 7 submissions from 7 submitters: Likely benign (7). Last evaluated 2026-04-01.

Conditions:
DSP-related disorder. Also called: DSP-related condition; DSP-related disorders.
Arrhythmogenic cardiomyopathy with wooly hair and keratoderma. Also called: Arrhythmogenic cardiomyopathy with woolly hair and keratoderma; Carvajal syndrome; PALMOPLANTAR KERATODERMA WITH LEFT VENTRICULAR CARDIOMYOPATHY AND WOOLLY HAIR; Dilated cardiomyopathy with woolly hair and keratoderma. Identifiers: Orphanet 65282, MedGen C1854063, MONDO:0011581, OMIM 605676.
Arrhythmogenic right ventricular dysplasia 8 (ARVD8). Also called: Arrhythmogenic Right Ventricular Dysplasia/Cardiomyopathy 8; ARRHYTHMOGENIC RIGHT VENTRICULAR DYSPLASIA, FAMILIAL, 8; ARRHYTHMOGENIC RIGHT VENTRICULAR CARDIOMYOPATHY 8. Identifiers: MedGen C1843896, MONDO:0011831, OMIM 607450.
Cardiomyopathy (CMYO). Also called: Cardiomyopathies. Identifiers: Orphanet 167848, MedGen C0878544, MONDO:0004994, HP:0001638. Inheritance: Various modes of inheritance.
Cardiovascular phenotype. Identifiers: MedGen CN230736.

Allele frequency attached by ClinVar (database versions not stated): gnomAD exomes 0.00001; ExAC 0.00002; gnomAD 0.00002 and 0.00003; 1000 Genomes Project 30x 0.00031; 1000 Genomes Project 0.00040.
gnomAD v4.1: 31 of 1,614,068 alleles (0.0019%); highest among the groups gnomAD compares: Middle Eastern, 0.016%; no homozygotes.

Submissions (7):

CeGaT Center for Human Genetics Tuebingen
Classification: Likely benign. Last evaluated: 2026-04-01. Review status: criteria provided, single submitter. Criteria: CeGaT Center For Human Genetics Tuebingen Variant Classification Criteria Version 2. Collection method: clinical testing. Allele origin: germline. Affected: yes. Observed: 3 variant alleles.
Comment: DSP: BP4, BP7

PreventionGenetics, part of Exact Sciences
Classification: Likely benign for DSP-related condition. Last evaluated: 2025-12-19. Review status: criteria provided, single submitter. Criteria: ACMG Guidelines, 2015. Collection method: clinical testing. Allele origin: germline.
Comment: This variant is classified as likely benign based on ACMG/AMP sequence variant interpretation guidelines (Richards et al. 2015 PMID: 25741868, with internal and published modifications).

Labcorp Genetics (formerly Invitae), Labcorp
Classification: Likely benign for Arrhythmogenic cardiomyopathy with wooly hair and keratoderma; Arrhythmogenic right ventricular dysplasia 8. Last evaluated: 2025-09-16. Review status: criteria provided, single submitter. Criteria: Invitae Variant Classification Sherloc (09022015). Collection method: clinical testing. Allele origin: germline.

Blueprint Genetics
Classification: Likely benign. Last evaluated: 2024-08-22. Review status: criteria provided, single submitter. Criteria: ACMG Guidelines, 2015. Collection method: clinical testing. Allele origin: germline.

All of Us Research Program, National Institutes of Health
Classification: Likely benign for Arrhythmogenic cardiomyopathy with wooly hair and keratoderma. Last evaluated: 2023-12-01. Review status: criteria provided, single submitter. Criteria: ACMG Guidelines, 2015. Collection method: clinical testing. Allele origin: germline. Inheritance: Autosomal dominant inheritance. Observed: 2 variant alleles, 2 heterozygotes.
Comment: This study involves interpretation of variants in research participants for the purpose of population health screening. Participant phenotype was not available at the time of variant classification. Additional details can be found in publication PMID: 35346344, PMCID: PMC8962531

Ambry Genetics
Classification: Likely benign for Cardiovascular phenotype. Last evaluated: 2021-04-26. Review status: criteria provided, single submitter. Criteria: Ambry Variant Classification Scheme 2023. Collection method: clinical testing. Allele origin: germline.

Color Diagnostics, LLC DBA Color Health
Classification: Likely benign for Cardiomyopathy. Last evaluated: 2019-02-10. Review status: criteria provided, single submitter. Criteria: ACMG Guidelines, 2015. Collection method: clinical testing. Allele origin: germline.